The following is an entry in ClinVar:

ClinVar aggregate classification (germline): Benign/Likely benign. Review status: criteria provided, multiple submitters, no conflicts (2 of 4 stars). 3 submissions from 3 submitters: Benign (1); Likely benign (2). Last evaluated 2026-06-18.

Conditions:
Gastrointestinal stromal tumor. Also called: Gastrointestinal stroma tumor; Gastrointestinal stromal tumor, somatic. Identifiers: Orphanet 44890, MedGen C0238198, MeSH D046152, MONDO:0011719, OMIM 606764, HP:0100723.
Hereditary cancer-predisposing syndrome. Also called: Neoplastic Syndromes, Hereditary; Hereditary Cancer Syndrome; Hereditary neoplastic syndrome; Tumor predisposition. Identifiers: Orphanet 140162, MedGen C0027672, MeSH D009386, MONDO:0015356.
Polyps, multiple and recurrent inflammatory fibroid, gastrointestinal. Identifiers: MedGen C5193005, MONDO:0008285, OMIM 175510.

Allele frequency attached by ClinVar (database versions not stated): gnomAD 0.00002; gnomAD exomes 0.00001; TOPMed 0.00001.
gnomAD v4.1: 24 of 1,613,906 alleles (0.0015%); highest among the groups gnomAD compares: Non-Finnish European, 0.0019%; no homozygotes.

Submissions (3):

Myriad Genetics, Inc.
Classification: Benign for Polyps, multiple and recurrent inflammatory fibroid, gastrointestinal. Last evaluated: 2026-06-18. Review status: criteria provided, single submitter. Criteria: Myriad Autosomal Dominant, Autosomal Recessive and X-Linked Classification Criteria (2023). Collection method: clinical testing. Allele origin: unknown.
Comment: This variant is considered benign. This variant is a silent/synonymous amino acid change and it is not expected to impact splicing.

Labcorp Genetics (formerly Invitae), Labcorp
Classification: Likely benign for Gastrointestinal stromal tumor. Last evaluated: 2026-01-07. Review status: criteria provided, single submitter. Criteria: Invitae Variant Classification Sherloc (09022015). Collection method: clinical testing. Allele origin: germline.

Ambry Genetics
Classification: Likely benign for Hereditary cancer-predisposing syndrome. Last evaluated: 2022-12-21. Review status: criteria provided, single submitter. Criteria: Ambry Variant Classification Scheme 2023. Collection method: clinical testing. Allele origin: germline.

NM_006206.6(PDGFRA):c.3027G>A (p.Glu1009=)

Gene: PDGFRA (platelet derived growth factor receptor alpha; plus strand). Cytogenetic location: 4q12.
Variant type: single nucleotide variant.
Coding change: c.3027G>A on transcript NM_006206.6 (MANE Select); coding-DNA position 3027, G replaced by A.
Protein change: p.Glu1009=; no amino-acid change (glutamic acid 1009 retained).
Molecular consequence: synonymous variant.
Genome position (GRCh38, 1-based): chr4:54,290,459, G>A. VCF-style: chr4-54290459-G-A. GRCh37 (hg19) VCF-style: chr4-55156626-G-A.
Other names: c.3102G>A, p.Glu1034= (NM_001347828.2); c.3027G>A, p.Glu1009= (NM_001347829.2); c.3066G>A, p.Glu1022= (NM_001347830.2); c.3027G>A (NM_006206.4).
Identifiers: ClinVar variation 1125506 (VCV001125506.12), dbSNP rs928713402, ClinGen allele CA96830198.